The following is an entry in ClinVar:

ClinVar aggregate classification (germline): Uncertain significance (1 of 4 stars; one submission).

Conditions:
SEMA3F-related disorder. Also called: SEMA3F-related condition.

gnomAD v4.1: 4 of 1,613,732 alleles (0.00025%); highest among the groups gnomAD compares: Non-Finnish European, 0.00034%; no homozygotes.

Submission:

PreventionGenetics, part of Exact Sciences
Classification: Uncertain significance for SEMA3F-related condition. Last evaluated: 2025-04-28. Review status: criteria provided, single submitter. Criteria: ACMG Guidelines, 2015. Collection method: clinical testing. Allele origin: germline.
Comment: The SEMA3F c.340G>A variant is predicted to result in the amino acid substitution p.Glu114Lys. To our knowledge, this variant has not been reported in the literature. This variant is reported in 0.0018% of alleles in individuals of European (Non-Finnish) descent in gnomAD. At this time, the clinical significance of this variant is uncertain due to the absence of conclusive functional and genetic evidence.

NM_004186.5(SEMA3F):c.340G>A (p.Glu114Lys)

Gene: SEMA3F (semaphorin 3F; plus strand). Cytogenetic location: 3p21.31.
Variant type: single nucleotide variant.
Coding change: c.340G>A on transcript NM_004186.5 (MANE Select); coding-DNA position 340, G replaced by A.
Protein change: p.Glu114Lys; replaces glutamic acid 114 with lysine.
Molecular consequence: missense variant.
Genome position (GRCh38, 1-based): chr3:50,174,234, G>A. VCF-style: chr3-50174234-G-A. GRCh37 (hg19) VCF-style: chr3-50211667-G-A.
Other names: c.136G>A, p.Glu46Lys (NM_001318798.2); c.340G>A, p.Glu114Lys (NM_001318800.2); short protein forms E114K, E46K.
Identifiers: ClinVar variation 4998256 (VCV004998256.1).